The following is an entry in ClinVar:

NM_001291303.3(FAT4):c.6666C>T (p.Thr2222=)

Gene: FAT4 (FAT atypical cadherin 4; plus strand). Cytogenetic location: 4q28.1.
Variant type: single nucleotide variant.
Coding change: c.6666C>T on transcript NM_001291303.3 (MANE Select); coding-DNA position 6666, C replaced by T.
Protein change: p.Thr2222=; no amino-acid change (threonine 2222 retained).
Molecular consequence: synonymous variant.
Genome position (GRCh38, 1-based): chr4:125,415,629, C>T. VCF-style: chr4-125415629-C-T. GRCh37 (hg19) VCF-style: chr4-126336784-C-T.
Other names: c.6666C>T, p.Thr2222= (NM_001291285.3, NM_024582.6).
Identifiers: ClinVar variation 1935122 (VCV001935122.9), dbSNP rs1394259115, ClinGen allele CA441370148.

ClinVar aggregate classification (germline): Likely benign. Review status: criteria provided, multiple submitters, no conflicts (2 of 4 stars). 2 submissions from 2 submitters: Likely benign (2). Last evaluated 2026-03-01.

Allele frequency attached by ClinVar (database versions not stated): gnomAD exomes below 0.00001; TOPMed 0.00002.
gnomAD v4.1: 6 of 1,613,856 alleles (0.00037%); highest among the groups gnomAD compares: African/African-American, 0.0067%; no homozygotes.

Submissions (2):

CeGaT Center for Human Genetics Tuebingen
Classification: Likely benign. Last evaluated: 2026-03-01. Review status: criteria provided, single submitter. Criteria: CeGaT Center For Human Genetics Tuebingen Variant Classification Criteria Version 2. Collection method: clinical testing. Allele origin: germline. Affected: yes. Observed: 1 variant allele.
Comment: FAT4: BP4, BP7

Labcorp Genetics (formerly Invitae), Labcorp
Classification: Likely benign. Last evaluated: 2025-11-20. Review status: criteria provided, single submitter. Criteria: Invitae Variant Classification Sherloc (09022015). Collection method: clinical testing. Allele origin: germline.